The following is an entry in ClinVar:

NM_181078.3(IL21R):c.17C>T (p.Ala6Val)

Gene: IL21R (interleukin 21 receptor; plus strand). Cytogenetic location: 16p12.1.
Variant type: single nucleotide variant.
Coding change: c.17C>T on transcript NM_181078.3 (MANE Select); coding-DNA position 17, C replaced by T.
Protein change: p.Ala6Val; replaces alanine 6 with valine.
Molecular consequence: missense variant.
Genome position (GRCh38, 1-based): chr16:27,430,088, C>T. VCF-style: chr16-27430088-C-T. GRCh37 (hg19) VCF-style: chr16-27441409-C-T.
Other names: c.83C>T (NM_181079.4); c.17C>T, p.Ala6Val (NM_021798.4); c.83C>T, p.Ala28Val (NM_181079.5); short protein forms A28V, A6V.
Identifiers: ClinVar variation 1027286 (VCV001027286.10), dbSNP rs577126383, ClinGen allele CA279693052.
Genomic context (GRCh38, chr16:27,430,088, plus strand): 5'-CTCACCCTCCACTGTACGTCTCTTGCAGGCCCGTGGGAGTCAGCATGCCGCGTGGCTGGG[C>T]CGCCCCCTTGCTCCTGCTGCTGCTCCAGGGAGGTAAGTGGCTGCCCCGTGGTCTGCGGGT-3'
Protein context (NP_851564.1, residues 1-16): MPRGW[Ala6Val]APLLLLLLQG

ClinVar aggregate classification (germline): Uncertain significance. Review status: criteria provided, multiple submitters, no conflicts (2 of 4 stars). 3 submissions from 3 submitters: Uncertain significance (3). Last evaluated 2025-05-18.

Conditions:
Cryptosporidiosis-chronic cholangitis-liver disease syndrome. Also called: Immunodeficiency type 56; IL21R immunodeficiency. Identifiers: Orphanet 357329, MedGen C3554687, MONDO:0014082, OMIM 615207.
Inborn genetic diseases. Identifiers: MedGen C0950123, MeSH D030342.

Allele frequency attached by ClinVar (database versions not stated): gnomAD exomes below 0.00001; gnomAD 0.00001; TOPMed 0.00001; 1000 Genomes Project 0.00020; 1000 Genomes Project 30x 0.00031.
gnomAD v4.1: 8 of 1,605,654 alleles (0.0005%); highest among the groups gnomAD compares: East Asian, 0.0022%; no homozygotes.

Submissions (3):

Ambry Genetics
Classification: Uncertain significance for Inborn genetic diseases. Last evaluated: 2025-05-18. Review status: criteria provided, single submitter. Criteria: Ambry Variant Classification Scheme 2023. Collection method: clinical testing. Allele origin: germline.

Blueprint Genetics
Classification: Uncertain significance. Last evaluated: 2024-06-12. Review status: criteria provided, single submitter. Criteria: ACMG Guidelines, 2015. Collection method: clinical testing. Allele origin: germline.

Labcorp Genetics (formerly Invitae), Labcorp
Classification: Uncertain significance for Cryptosporidiosis-chronic cholangitis-liver disease syndrome. Last evaluated: 2022-08-03. Review status: criteria provided, single submitter. Criteria: Invitae Variant Classification Sherloc (09022015). Collection method: clinical testing. Allele origin: germline.
Comment: ClinVar contains an entry for this variant (Variation ID: 1027286). In summary, the available evidence is currently insufficient to determine the role of this variant in disease. Therefore, it has been classified as a Variant of Uncertain Significance. Algorithms developed to predict the effect of missense changes on protein structure and function output the following: SIFT: "Tolerated"; PolyPhen-2: "Benign"; Align-GVGD: "Class C0". The valine amino acid residue is found in multiple mammalian species, which suggests that this missense change does not adversely affect protein function. This variant has not been reported in the literature in individuals affected with IL21R-related conditions. This variant is not present in population databases (gnomAD no frequency). This sequence change replaces alanine, which is neutral and non-polar, with valine, which is neutral and non-polar, at codon 6 of the IL21R protein (p.Ala6Val).